The following is an entry in ClinVar:

ClinVar aggregate classification (germline): Conflicting classifications of pathogenicity. Review status: criteria provided, conflicting classifications (1 of 4 stars). 4 submissions from 4 submitters: Uncertain significance (3); Likely benign (1). Last evaluated 2026-05-19.

Conditions:
Landau-Kleffner syndrome (FESD). Also called: EPILEPSY, FOCAL, WITH SPEECH DISORDER AND WITH OR WITHOUT MENTAL RETARDATION; APHASIA, ACQUIRED, WITH EPILEPSY. Identifiers: Orphanet 1945, Orphanet 725, Orphanet 98818, MedGen C0282512, MONDO:0009509, OMIM 245570.

Allele frequency attached by ClinVar (database versions not stated): TOPMed 0.00002; ExAC 0.00007; gnomAD 0.00001 and 0.00002; gnomAD exomes 0.00002 and 0.00008.
gnomAD v4.1: 37 of 1,613,878 alleles (0.0023%); highest among the groups gnomAD compares: Admixed American, 0.02%; no homozygotes.

Submissions (4):

Women's Health and Genetics/Laboratory Corporation of America, LabCorp
Classification: Uncertain significance. Last evaluated: 2026-05-19. Review status: criteria provided, single submitter. Criteria: LabCorp Variant Classification Summary - May 2015. Collection method: clinical testing. Allele origin: germline.
Comment: Variant summary: GRIN2A c.3031C>T (p.Arg1011Trp) results in a non-conservative amino acid change in the encoded protein sequence. Algorithms developed to predict the effect of missense changes on protein structure and function are either unavailable or do not agree on the potential impact of this missense change. The variant allele was found at a frequency of 7.6e-05 in 251292 control chromosomes. This frequency is not significantly higher than estimated for disease-causing variants in GRIN2A, allowing no conclusion about variant significance. To our knowledge, no occurrence of c.3031C>T in individuals affected with GRIN2A-related conditions and no experimental evidence demonstrating its impact on protein function have been reported. ClinVar contains an entry for this variant (Variation ID: 430072). Based on the evidence outlined above, the variant was classified as uncertain significance.

CeGaT Center for Human Genetics Tuebingen
Classification: Uncertain significance. Last evaluated: 2024-10-01. Review status: criteria provided, single submitter. Criteria: CeGaT Center For Human Genetics Tuebingen Variant Classification Criteria Version 2. Collection method: clinical testing. Allele origin: germline. Affected: yes. Observed: 2 variant alleles.

Labcorp Genetics (formerly Invitae), Labcorp
Classification: Likely benign for Landau-Kleffner syndrome. Last evaluated: 2024-09-04. Review status: criteria provided, single submitter. Criteria: Invitae Variant Classification Sherloc (09022015). Collection method: clinical testing. Allele origin: germline.

GeneDx
Classification: Uncertain significance. Last evaluated: 2017-05-16. Review status: criteria provided, single submitter. Criteria: GeneDx Variant Classification (06012015). Collection method: clinical testing. Allele origin: germline. Affected: yes.
Comment: A variant of uncertain significance has been identified in the GRIN2A gene. The R1011W variant has not been published as a pathogenic variant, nor has it been reported as a benign variant to our knowledge. The R1011W variant is observed in 4/11,578 (0.03%) alleles from individuals of Latino background (Lek et al., 2016; 1000 Genomes Consortium et al., 2015; Exome Variant Server). The R1011W variant is a non-conservative amino acid substitution, which is likely to impact secondary protein structure as these residues differ in polarity, charge, size and/or other properties. This substitution occurs at a position that is conserved across species, and in silico analysis predicts this variant is probably damaging to the protein structure/function. However, missense variants in nearby residues have not been reported in the Human Gene Mutation Database in association with GRIN2A-related disorders (Stenson et al., 2014). Therefore, based on the currently available information, it is unclear whether this variant is a pathogenic variant or a rare benign variant.

NM_001134407.3(GRIN2A):c.3031C>T (p.Arg1011Trp)

Gene: GRIN2A (glutamate ionotropic receptor NMDA type subunit 2A; minus strand). Cytogenetic location: 16p13.2.
Variant type: single nucleotide variant.
Coding change: c.3031C>T on transcript NM_001134407.3 (MANE Select); coding-DNA position 3031, C replaced by T.
Protein change: p.Arg1011Trp; replaces arginine 1011 with tryptophan.
Molecular consequence: missense variant.
Genome position (GRCh38, 1-based): chr16:9,764,513, G>A on the plus strand (C>T on the coding strand, the complement: GRIN2A is on the minus strand). VCF-style: chr16-9764513-G-A. GRCh37 (hg19) VCF-style: chr16-9858370-G-A.
Other names: c.3031C>T, p.Arg1011Trp (NM_000833.5, NM_001134408.2); short protein forms R1011W.
Identifiers: ClinVar variation 430072 (VCV000430072.26), dbSNP rs760522909, ClinGen allele CA7896383.